The following is an entry in ClinVar:

ClinVar aggregate classification (germline): Uncertain significance (1 of 4 stars; one submission).

Allele frequency attached by ClinVar (database versions not stated): gnomAD exomes below 0.00001; gnomAD 0.00001; TOPMed 0.00001.
gnomAD v4.1: 4 of 1,611,702 alleles (0.00025%); highest among the groups gnomAD compares: African/African-American, 0.0013%; no homozygotes.

Submission:

Labcorp Genetics (formerly Invitae), Labcorp
Classification: Uncertain significance. Last evaluated: 2022-06-02. Review status: criteria provided, single submitter. Criteria: Invitae Variant Classification Sherloc (09022015). Collection method: clinical testing. Allele origin: germline.
Comment: In summary, the available evidence is currently insufficient to determine the role of this variant in disease. Therefore, it has been classified as a Variant of Uncertain Significance. The frequency data for this variant in the population databases is considered unreliable, as metrics indicate poor data quality at this position in the gnomAD database. This variant has not been reported in the literature in individuals affected with SBF1-related conditions. ClinVar contains an entry for this variant (Variation ID: 1381872). Algorithms developed to predict the effect of missense changes on protein structure and function are either unavailable or do not agree on the potential impact of this missense change (SIFT: "Deleterious"; PolyPhen-2: "Probably Damaging"; Align-GVGD: "Class C0"). This sequence change replaces arginine, which is basic and polar, with cysteine, which is neutral and slightly polar, at codon 390 of the SBF1 protein (p.Arg390Cys).

NM_002972.4(SBF1):c.1168C>T (p.Arg390Cys)

Gene: SBF1 (SET binding factor 1; minus strand). Cytogenetic location: 22q13.33.
Variant type: single nucleotide variant.
Coding change: c.1168C>T on transcript NM_002972.4 (MANE Select); coding-DNA position 1168, C replaced by T.
Protein change: p.Arg390Cys; replaces arginine 390 with cysteine.
Molecular consequence: missense variant.
Genome position (GRCh38, 1-based): chr22:50,465,250, G>A on the plus strand (C>T on the coding strand, the complement: SBF1 is on the minus strand). VCF-style: chr22-50465250-G-A. GRCh37 (hg19) VCF-style: chr22-50903679-G-A.
Other names: c.1171C>T, p.Arg391Cys (NM_001365819.1); short protein forms R391C, R390C.
Identifiers: ClinVar variation 1381872 (VCV001381872.6), dbSNP rs1303975437, ClinGen allele CA412218762.